The following is an entry in ClinVar:

NM_012275.3(IL36RN):c.140A>T (p.Asn47Ile)

Gene: IL36RN (interleukin 36 receptor antagonist; plus strand). Cytogenetic location: 2q14.1.
Variant type: single nucleotide variant.
Coding change: c.140A>T on transcript NM_012275.3 (MANE Select); coding-DNA position 140, A replaced by T.
Protein change: p.Asn47Ile; replaces asparagine 47 with isoleucine.
Molecular consequence: missense variant.
Genome position (GRCh38, 1-based): chr2:113,062,148, A>T. VCF-style: chr2-113062148-A-T. GRCh37 (hg19) VCF-style: chr2-113819725-A-T.
Other names: c.140A>T, p.Asn47Ile (NM_173170.1); short protein forms N47I.
Identifiers: ClinVar variation 1717709 (VCV001717709.5), dbSNP rs28938777, ClinGen allele CA53688398.
Genomic context (GRCh38, chr2:113,062,148, plus strand): 5'-GCATCCAGGGCCCTGCATCTGGCCTCTTTCCCACAGGTGAAGAGATCAGCGTGGTCCCCA[A>T]TCGGTGGCTGGATGCCAGCCTGTCCCCCGTCATCCTGGGTGTCCAGGGTGGAAGCCAGTG-3'
Protein context (NP_036407.1, residues 37-57): IKGEEISVVP[Asn47Ile]RWLDASLSPV

ClinVar aggregate classification (germline): Uncertain significance (1 of 4 stars; one submission).

Conditions:
Generalized pustular psoriasis. Identifiers: Orphanet 247353, MedGen C0343055, MONDO:0100491.

Submission:

Labcorp Genetics (formerly Invitae), Labcorp
Classification: Uncertain significance for Generalized pustular psoriasis. Last evaluated: 2022-08-22. Review status: criteria provided, single submitter. Criteria: Invitae Variant Classification Sherloc (09022015). Collection method: clinical testing. Allele origin: germline.
Comment: This sequence change replaces asparagine, which is neutral and polar, with isoleucine, which is neutral and non-polar, at codon 47 of the IL36RN protein (p.Asn47Ile). This variant is present in population databases (no rsID available, gnomAD 0.007%). This variant has not been reported in the literature in individuals affected with IL36RN-related conditions. Algorithms developed to predict the effect of missense changes on protein structure and function (SIFT, PolyPhen-2, Align-GVGD) all suggest that this variant is likely to be disruptive. In summary, the available evidence is currently insufficient to determine the role of this variant in disease. Therefore, it has been classified as a Variant of Uncertain Significance.